The following continues an entry in ClinVar:

NM_000540.3(RYR1):c.6961A>G (p.Ile2321Val)

Gene: RYR1. ClinVar aggregate classification (germline): Benign. Benign (1).

Submissions 11 to 19 of 19:

Victorian Clinical Genetics Services, Murdoch Childrens Research Institute
Classification: Uncertain significance for RYR1-related myopathy. Last evaluated: 2021-05-06. Review status: criteria provided, single submitter. Criteria: ACMG Guidelines, 2015. Collection method: clinical testing. Allele origin: germline. Not counted in ClinVar's aggregate classification.
Comment: Based on the classification scheme VCGS_Germline_v1.3.4, this variant is classified as VUS-3B. Following criteria are met: 0103 - Loss of function and gain of function are known mechanisms of disease in this gene and are associated with RYR1-related myopathy. Central core disease and minicore myopathy are associated with loss of function, while a gain of function mechanism has been described in the context of malignant hyperthermia susceptibility (PMID: 27855725). (I) 0108 - This gene is associated with both recessive and dominant disease. Autosomal dominant inheritance is associated with central core disease (MIM#117000) or susceptibility to malignant hyperthermia (MIM#145600). Other phenotypes including minicore myopathy (MIM#255320) are associated with autosomal recessive inheritance (PMID: 23919265). (I) 0200 - Variant is predicted to result in a missense amino acid change from isoleucine to valine. (I) 0251 - This variant is heterozygous. (I) 0304 - Variant is present in gnomAD <0.01 (v2) (129 heterozygotes, 0 homozygotes). (SP) 0309 - An alternative amino acid change at the same position has been observed in gnomAD (v2) (2 heterozygotes, 0 homozygotes). (I) 0502 - Missense variant with conflicting in silico predictions and uninformative conservation. (I) 0602 - Variant is located in a hotspot region or cluster of pathogenic variants. This variant is located in the RIH domain within the RYR1 central hotspot (PMID: 23919265). (SP) 0710 - Another missense variant comparable to the one identified in this case has inconclusive previous evidence for pathogenicity. The p.(Ile2321Thr) variant has a VUS entry in ClinVar associated with RYR1-related disorders. (I) 0808 - Previous reports of pathogenicity for this variant are conflicting. This variant has been reported in patients with malignant hyperthermia susceptibility (MHS) however, the variant has been considered potentially pathogenic (PMID: 30236257), a VUS (ClinVar), and as well as a polymorphism (PMIDs: 23558838, 19191329). This variant has also been identified in an individual not affected by malignant hyperthermia (PMID: 24195946) and in a MHS patient with an additional MHS diagnostic variant (PMID: 26972305). (I) 1007 - No published functional evidence has been identified for this variant. (I) 1208 - Inheritance information for this variant is not currently available in this individual. (I) Legend: (SP) - Supporting pathogenic, (I) - Information, (SB) - Supporting benign

Illumina Laboratory Services, Illumina
Classification: Likely benign for Malignant hyperthermia, susceptibility to, 1. Last evaluated: 2017-04-27. Review status: criteria provided, single submitter. Criteria: ICSL Variant Classification Criteria 13 December 2019. Collection method: clinical testing. Allele origin: germline. Not counted in ClinVar's aggregate classification.
Comment: This variant was observed as part of a predisposition screen in an ostensibly healthy population. A literature search was performed for the gene, cDNA change, and amino acid change (where applicable). Publications were found based on this search. The evidence from the literature, in combination with allele frequency data from public databases where available, was sufficient to determine this variant is unlikely to cause disease. Therefore, this variant is classified as likely benign.

Illumina Laboratory Services, Illumina
Classification: Likely benign for Congenital multicore myopathy with external ophthalmoplegia. Last evaluated: 2017-04-27. Review status: criteria provided, single submitter. Criteria: ICSL Variant Classification Criteria 13 December 2019. Collection method: clinical testing. Allele origin: germline. Not counted in ClinVar's aggregate classification.
Comment: This variant was observed as part of a predisposition screen in an ostensibly healthy population. A literature search was performed for the gene, cDNA change, and amino acid change (where applicable). No publications were found based on this search. Allele frequency data from public databases allowed determination this variant is unlikely to cause disease. Therefore, this variant is classified as likely benign.

Laboratory for Molecular Medicine, Mass General Brigham Personalized Medicine
Classification: Uncertain significance. Last evaluated: 2017-02-03. Review status: criteria provided, single submitter. Criteria: LMM Criteria. Collection method: clinical testing. Allele origin: germline. Not counted in ClinVar's aggregate classification.
Comment: Variant identified in a genome or exome case(s) and assessed due to predicted null impact of the variant or pathogenic assertions in the literature or databases. Disclaimer: This variant has not undergone full assessment. The following are preliminary notes: This variant is present in HGMD in 5 papers but classified as VUS. Comments: Variant found in 1/870 ClinSeq participants not selected for malignant hyperthermia susceptibility (24195946); Co-occurred with another variant in RYR1 in a family with MHS (19191329). It is classified in ClinVar with 1 star as Likelybenign by Biesecker and VUS by CSER. It has a max MAF in ExAC of 0.06% (41 alleles) and in gnomAD of 0.08% (101 alleles). Frequency too high for disease - MHS prevalence is estimated at max 1/5000.

Biesecker Lab/Clinical Genomics Section, National Institutes of Health
Classification: Likely benign for Malignant hyperthermia, susceptibility to, 1. Last evaluated: 2013-07-01. Review status: criteria provided, single submitter. Criteria: Gonsalves et al. 2013. Collection method: research. Allele origin: unknown. Observed: 1 variant allele. Study: ClinSeq. Not counted in ClinVar's aggregate classification.
Comment: The study set was not selected for affection status in relation to any myopathy. Pathogenicity categories were based on literature curation. See Pubmed ID: 24195946 for details.

CSER _CC_NCGL, University of Washington
Classification: Uncertain significance for Malignant hyperthermia. Last evaluated: 2014-06-01. Review status: no assertion criteria provided. Collection method: research. Allele origin: germline. Inheritance: Autosomal dominant inheritance. Study: ESP 6500 variant annotation. Not counted in ClinVar's aggregate classification.
Comment: Variants classified for the Actionable exomic incidental findings in 6503 participants: challenges of variant classification manuscript

Clinical Genetics DNA and cytogenetics Diagnostics Lab, Erasmus MC, Erasmus Medical Center
Classification: Uncertain significance. Review status: no assertion criteria provided. Collection method: clinical testing. Allele origin: germline. Affected: yes. Study: VKGL Data-share Consensus. Not counted in ClinVar's aggregate classification.

Joint Genome Diagnostic Labs from Nijmegen and Maastricht, Radboudumc and MUMC+
Classification: Uncertain significance. Review status: no assertion criteria provided. Collection method: clinical testing. Allele origin: germline. Affected: yes. Study: VKGL Data-share Consensus. Not counted in ClinVar's aggregate classification.

RYR1 database
No classification provided. Review status: no classification provided. Collection method: not provided. Allele origin: unknown. Not counted in ClinVar's aggregate classification.

Literature cited by the submitters: PubMed 23558838 (cited by Women's Health and Genetics/Laboratory Corporation of America, LabCorp and Victorian Clinical Genetics Services, Murdoch Childrens Research Institute); PubMed 19191329 (cited by 3 submitters); PubMed 30236257 (cited by Women's Health and Genetics/Laboratory Corporation of America, LabCorp and Victorian Clinical Genetics Services, Murdoch Childrens Research Institute); PubMed 27382027 (cited by Women's Health and Genetics/Laboratory Corporation of America, LabCorp); PubMed 36208971 (cited by Women's Health and Genetics/Laboratory Corporation of America, LabCorp); PubMed 37937776 (cited by Women's Health and Genetics/Laboratory Corporation of America, LabCorp); PubMed 23919265 (cited by Victorian Clinical Genetics Services, Murdoch Childrens Research Institute); PubMed 24195946 (cited by Victorian Clinical Genetics Services, Murdoch Childrens Research Institute); PubMed 26972305 (cited by Victorian Clinical Genetics Services, Murdoch Childrens Research Institute); PubMed 27855725 (cited by Victorian Clinical Genetics Services, Murdoch Childrens Research Institute); PubMed 16917943 (cited by Illumina Laboratory Services, Illumina).